The following is an entry in ClinVar:

ClinVar aggregate classification (germline): Uncertain significance (1 of 4 stars; one submission).

Conditions:
Hereditary cancer-predisposing syndrome. Also called: Neoplastic Syndromes, Hereditary; Tumor predisposition; Hereditary Cancer Syndrome; Hereditary neoplastic syndrome. Identifiers: Orphanet 140162, MedGen C0027672, MeSH D009386, MONDO:0015356.

Submission:

Color Diagnostics, LLC DBA Color Health
Classification: Uncertain significance for Hereditary cancer-predisposing syndrome. Last evaluated: 2023-01-09. Review status: criteria provided, single submitter. Criteria: ACMG Guidelines, 2015. Collection method: clinical testing. Allele origin: germline.
Comment: This missense variant replaces alanine with threonine at codon 1679 of the APC protein. Computational prediction suggests that this variant may not impact protein structure and function (internally defined REVEL score threshold <= 0.5, PMID: 27666373). To our knowledge, functional studies have not been reported for this variant. This variant has not been reported in individuals affected with APC-related disorders in the literature. This variant has not been identified in the general population by the Genome Aggregation Database (gnomAD). The available evidence is insufficient to determine the role of this variant in disease conclusively. Therefore, this variant is classified as a Variant of Uncertain Significance.

NM_000038.6(APC):c.5035G>A (p.Ala1679Thr)

Gene: APC (APC regulator of Wnt signaling pathway; plus strand). Cytogenetic location: 5q22.2.
Variant type: single nucleotide variant.
Coding change: c.5035G>A on transcript NM_000038.6 (MANE Select); coding-DNA position 5035, G replaced by A.
Protein change: p.Ala1679Thr; replaces alanine 1679 with threonine.
Molecular consequence: missense variant. On other transcripts: non-coding transcript variant (2).
Genome position (GRCh38, 1-based): chr5:112,840,629, G>A. VCF-style: chr5-112840629-G-A. GRCh37 (hg19) VCF-style: chr5-112176326-G-A.
Other names: c.5035G>A, p.Ala1679Thr (NM_001127510.3, NM_001354895.2, NM_001407450.1); c.4981G>A, p.Ala1661Thr (NM_001127511.3); c.5089G>A, p.Ala1697Thr (NM_001354896.2, NM_001407447.1, NM_001407448.1 and 1 more transcripts); c.5065G>A, p.Ala1689Thr (NM_001354897.2); c.4960G>A, p.Ala1654Thr (NM_001354898.2); c.4951G>A, p.Ala1651Thr (NM_001354899.2); c.4912G>A, p.Ala1638Thr (NM_001354900.2); c.4858G>A, p.Ala1620Thr (NM_001354901.2, NM_001407453.1); and 11 more; short protein forms A1596T, A1638T, A1679T, A1689T, A1295T, A1519T, A1550T, A1620T.
Identifiers: ClinVar variation 2775119 (VCV002775119.2), dbSNP rs2149930367, ClinGen allele CA16032343.